The following is an entry in ClinVar:

NM_020750.3(XPO5):c.1188A>C (p.Lys396Asn)

Genes: POLR1C (RNA polymerase I and III subunit C; plus strand), XPO5 (exportin 5; minus strand). Cytogenetic location: 6p21.1.
Variant type: single nucleotide variant.
Coding change: c.1188A>C on transcript NM_020750.3 (MANE Select); coding-DNA position 1188, A replaced by C.
Protein change: p.Lys396Asn; replaces lysine 396 with asparagine.
Molecular consequence: missense variant. On other transcripts: non-coding transcript variant (1), intron variant (1).
Genome position (GRCh38, 1-based): chr6:43,560,211, T>G on the plus strand (A>C on the coding strand, the complement: XPO5 is on the minus strand). VCF-style: chr6-43560211-T-G. GRCh37 (hg19) VCF-style: chr6-43527948-T-G.
Other names: c.*43-1189T>G (NM_001363658.2); short protein forms K396N.
Identifiers: ClinVar variation 2056278 (VCV002056278.4), dbSNP rs778808255, ClinGen allele CA3826495.

ClinVar aggregate classification (germline): Uncertain significance. Review status: criteria provided, multiple submitters, no conflicts (2 of 4 stars). 2 submissions from 2 submitters: Uncertain significance (2). Last evaluated 2025-01-27.

Allele frequency attached by ClinVar (database versions not stated): TOPMed 0.00002; ExAC 0.00003; gnomAD exomes 0.00003; gnomAD 0.00001.
gnomAD v4.1: 19 of 1,612,668 alleles (0.0012%); highest among the groups gnomAD compares: Admixed American, 0.03%; no homozygotes.

Submissions (2):

Labcorp Genetics (formerly Invitae), Labcorp
Classification: Uncertain significance. Last evaluated: 2025-01-27. Review status: criteria provided, single submitter. Criteria: Invitae Variant Classification Sherloc (09022015). Collection method: clinical testing. Allele origin: germline.
Comment: This sequence change replaces lysine, which is basic and polar, with asparagine, which is neutral and polar, at codon 396 of the XPO5 protein (p.Lys396Asn). This variant is present in population databases (rs778808255, gnomAD 0.04%). This variant has not been reported in the literature in individuals affected with XPO5-related conditions. ClinVar contains an entry for this variant (Variation ID: 2056278). An algorithm developed to predict the effect of missense changes on protein structure and function (PolyPhen-2) suggests that this variant is likely to be tolerated. In summary, the available evidence is currently insufficient to determine the role of this variant in disease. Therefore, it has been classified as a Variant of Uncertain Significance.

Ambry Genetics
Classification: Uncertain significance. Last evaluated: 2024-11-13. Review status: criteria provided, single submitter. Criteria: Ambry Variant Classification Scheme 2023. Collection method: clinical testing. Allele origin: germline.